The following is an entry in ClinVar:

ClinVar aggregate classification (germline): Uncertain significance (1 of 4 stars; one submission).

Conditions:
Fanconi anemia (FA). Also called: Fanconi's anemia. Identifiers: Orphanet 84, MedGen C0015625, MeSH D005199, MONDO:0019391.

gnomAD v4.1: 2 of 1,609,630 alleles (0.00012%); highest among the groups gnomAD compares: Non-Finnish European, 0.00017%; no homozygotes.

Submission:

Labcorp Genetics (formerly Invitae), Labcorp
Classification: Uncertain significance for Fanconi anemia. Last evaluated: 2021-02-25. Review status: criteria provided, single submitter. Criteria: Invitae Variant Classification Sherloc (09022015). Collection method: clinical testing. Allele origin: germline.
Comment: This sequence change replaces leucine with phenylalanine at codon 254 of the FANCL protein (p.Leu254Phe). The leucine residue is highly conserved and there is a small physicochemical difference between leucine and phenylalanine. This variant is not present in population databases (ExAC no frequency). This variant has not been reported in the literature in individuals with FANCL-related conditions. Algorithms developed to predict the effect of missense changes on protein structure and function are either unavailable or do not agree on the potential impact of this missense change (SIFT: "Deleterious"; PolyPhen-2: "Probably Damaging"; Align-GVGD: "Class C0"). In summary, the available evidence is currently insufficient to determine the role of this variant in disease. Therefore, it has been classified as a Variant of Uncertain Significance.

NM_018062.4(FANCL):c.760C>T (p.Leu254Phe)

Gene: FANCL (FA complementation group L; minus strand). Cytogenetic location: 2p16.1.
Variant type: single nucleotide variant.
Coding change: c.760C>T on transcript NM_018062.4 (MANE Select); coding-DNA position 760, C replaced by T.
Protein change: p.Leu254Phe; replaces leucine 254 with phenylalanine.
Molecular consequence: missense variant.
Genome position (GRCh38, 1-based): chr2:58,163,449, G>A on the plus strand (C>T on the coding strand, the complement: FANCL is on the minus strand). VCF-style: chr2-58163449-G-A. GRCh37 (hg19) VCF-style: chr2-58390584-G-A.
Other names: c.775C>T, p.Leu259Phe (NM_001114636.2); c.805C>T, p.Leu269Phe (NM_001374615.1); c.820C>T, p.Leu274Phe (NM_001410792.1); short protein forms L254F, L269F, L259F, L274F.
Identifiers: ClinVar variation 1483000 (VCV001483000.8), dbSNP rs1331385236, ClinGen allele CA346935899.